The following is an entry in ClinVar:

ClinVar aggregate classification (germline): Uncertain significance. Review status: criteria provided, multiple submitters, no conflicts (2 of 4 stars). 4 submissions from 4 submitters: Uncertain significance (4). Last evaluated 2025-07-15.

Conditions:
Hypertrophic cardiomyopathy. Also called: HYPERTROPHIC MYOCARDIOPATHY. Identifiers: Orphanet 217569, MedGen C0007194, MeSH D002312, MONDO:0005045, HP:0001639.
Hypertrophic cardiomyopathy 17. Identifiers: MedGen C3151264, MONDO:0013474, OMIM 613873.
Cardiomyopathy, dilated, 2E. Identifiers: MedGen C5561970, MONDO:0030366, OMIM 619492.
Cardiovascular phenotype. Identifiers: MedGen CN230736.

Allele frequency attached by ClinVar (database versions not stated): ExAC 0.00001; TOPMed 0.00001; gnomAD 0.00002.
gnomAD v4.1: 10 of 1,613,516 alleles (0.00062%); highest among the groups gnomAD compares: African/African-American, 0.0027%; no homozygotes.

Submissions (4):

Ambry Genetics
Classification: Uncertain significance for Cardiovascular phenotype. Last evaluated: 2025-07-15. Review status: criteria provided, single submitter. Criteria: Ambry Variant Classification Scheme 2023. Collection method: clinical testing. Allele origin: germline.
Comment: The p.R342H variant (also known as c.1025G>A), located in coding exon 2 of the JPH2 gene, results from a G to A substitution at nucleotide position 1025. The arginine at codon 342 is replaced by histidine, an amino acid with highly similar properties. This amino acid position is conserved. In addition, this alteration is predicted to be tolerated by in silico analysis. Since supporting evidence is limited at this time, the clinical significance of this alteration remains unclear.

Labcorp Genetics (formerly Invitae), Labcorp
Classification: Uncertain significance for Hypertrophic cardiomyopathy. Last evaluated: 2024-08-20. Review status: criteria provided, single submitter. Criteria: Invitae Variant Classification Sherloc (09022015). Collection method: clinical testing. Allele origin: germline.
Comment: This sequence change replaces arginine, which is basic and polar, with histidine, which is basic and polar, at codon 342 of the JPH2 protein (p.Arg342His). This variant is present in population databases (rs760723899, gnomAD 0.01%). This variant has not been reported in the literature in individuals affected with JPH2-related conditions. ClinVar contains an entry for this variant (Variation ID: 1769358). An algorithm developed to predict the effect of missense changes on protein structure and function (PolyPhen-2) suggests that this variant is likely to be disruptive. In summary, the available evidence is currently insufficient to determine the role of this variant in disease. Therefore, it has been classified as a Variant of Uncertain Significance.

GeneDx
Classification: Uncertain significance. Last evaluated: 2023-01-25. Review status: criteria provided, single submitter. Criteria: GeneDx Variant Classification Process June 2021. Collection method: clinical testing. Allele origin: germline. Affected: yes.
Comment: Not observed at significant frequency in large population cohorts (gnomAD); In silico analysis supports that this missense variant has a deleterious effect on protein structure/function; Has not been previously published as pathogenic or benign to our knowledge

Clinical Genomics Laboratory, Stanford Medicine
Classification: Uncertain significance for Cardiomyopathy, dilated, 2E; Hypertrophic cardiomyopathy 17. Last evaluated: 2022-04-05. Review status: criteria provided, single submitter. Criteria: ACMG Guidelines, 2015. Collection method: clinical testing. Allele origin: germline. Observed: 1 variant allele, 1 heterozygote.
Comment: The p.Arg342His variant in the JPH2 gene has not been previously reported in association with disease. This variant has been identified in 1/8,698 African/African American chromosomes by the Genome Aggregation Database. Computational tools predict that this variant does not impact protein function; however, the accuracy of in silico algorithms is limited. These data were assessed using the ACMG/AMP variant interpretation guidelines. In summary, the significance of the p.Arg342His variant is uncertain. Additional information is needed to resolve the significance of this variant. [ACMG evidence codes used: PM2]

NM_020433.5(JPH2):c.1025G>A (p.Arg342His)

Gene: JPH2 (junctophilin 2; minus strand). Cytogenetic location: 20q13.12.
Variant type: single nucleotide variant.
Coding change: c.1025G>A on transcript NM_020433.5 (MANE Select); coding-DNA position 1025, G replaced by A.
Protein change: p.Arg342His; replaces arginine 342 with histidine.
Molecular consequence: missense variant.
Genome position (GRCh38, 1-based): chr20:44,159,762, C>T on the plus strand (G>A on the coding strand, the complement: JPH2 is on the minus strand). VCF-style: chr20-44159762-C-T. GRCh37 (hg19) VCF-style: chr20-42788402-C-T.
Other names: short protein forms R342H.
Identifiers: ClinVar variation 1769358 (VCV001769358.7), dbSNP rs760723899, ClinGen allele CA9868766.